The following is an entry in ClinVar:

ClinVar aggregate classification (germline): Conflicting classifications of pathogenicity. Review status: criteria provided, conflicting classifications (1 of 4 stars). 3 submissions from 3 submitters: Pathogenic (1); Likely pathogenic (1); Uncertain significance (1). Last evaluated 2025-12-08.

Conditions:
Hereditary cancer-predisposing syndrome. Also called: Tumor predisposition; Neoplastic Syndromes, Hereditary; Hereditary neoplastic syndrome; Hereditary Cancer Syndrome. Identifiers: Orphanet 140162, MedGen C0027672, MeSH D009386, MONDO:0015356.
Familial melanoma. Also called: Hereditary melanoma; Hereditary cutaneous melanoma. Identifiers: Orphanet 618, MedGen C1512419, MONDO:0018961.
Melanoma-pancreatic cancer syndrome. Identifiers: Orphanet 404560, MedGen C1838547, MONDO:0011713, OMIM 606719. Disease mechanism: loss of function.

gnomAD v4.1: 1 of 1,604,460 alleles (0.000062%); highest among the groups gnomAD compares: Non-Finnish European, 0.000085%; no homozygotes.

Submissions (3):

Labcorp Genetics (formerly Invitae), Labcorp
Classification: Uncertain significance for Familial melanoma. Last evaluated: 2025-12-08. Review status: criteria provided, single submitter. Criteria: Invitae Variant Classification Sherloc (09022015). Collection method: clinical testing. Allele origin: germline.
Comment: The CDKN2A gene encodes two different proteins, p16INK4a and p14ARF, which are translated from alternative transcripts with different open reading frames. Both transcripts have been analyzed. We report either the variant with the higher classification or default to the CDKN2A (p16INK4a) variant. This report therefore includes the details for the CDKN2A (p16INK4a) variant. This sequence change replaces histidine, which is basic and polar, with glutamine, which is neutral and polar, at codon 83 of the CDKN2A (p16INK4a) protein (p.His83Gln). This variant is not present in population databases (gnomAD no frequency). This missense change has been observed in individual(s) with sporadic or familial melanoma (PMID: 16234564, 16896043, 17218939, 21462282, 21893440, 28146043). This variant is also known as c.292C>G (p.Arg98Gly) in the CDKN2A (p14ARF) transcript. ClinVar contains an entry for this variant (Variation ID: 376381). An algorithm developed to predict the effect of missense changes on protein structure and function (PolyPhen-2) suggests that this variant is likely to be disruptive. In summary, the available evidence is currently insufficient to determine the role of this variant in disease. Therefore, it has been classified as a Variant of Uncertain Significance.

Myriad Genetics, Inc.
Classification: Likely pathogenic for Melanoma-pancreatic cancer syndrome. Last evaluated: 2025-03-21. Review status: criteria provided, single submitter. Criteria: Myriad Autosomal Dominant, Autosomal Recessive and X-Linked Classification Criteria (2023). Collection method: clinical testing. Allele origin: unknown.
Comment: This variant is considered likely pathogenic. This variant is expected to disrupt protein structure [Myriad internal data]. This variant has been reported in multiple individuals with clinical features of gene-specific disease [PMID: 21893440, 17218939, 16234564, Myriad internal data, external communications].

Ambry Genetics
Classification: Pathogenic for Hereditary cancer-predisposing syndrome. Last evaluated: 2022-07-05. Review status: criteria provided, single submitter. Criteria: Ambry Variant Classification Scheme 2023. Collection method: clinical testing. Allele origin: germline.
Comment: The p.H83Q pathogenic mutation (also known as c.249C>G), located in coding exon 2 of the CDKN2A gene, results from a C to G substitution at nucleotide position 249. The histidine at codon 83 is replaced by glutamine, an amino acid with highly similar properties. Another alteration at the same codon, p.H83Q (c.249C>A) resulting in the same amino acid change, has been reported in multiple individuals with melanoma as well as an Italian familial melanoma kindred (Begg CB et al. J Natl Cancer Inst. 2005 Oct 19;97(20):1507-15; Berwick M et al. Cancer Epidemiol Biomarkers Prev. 2006 Aug;15(8):1520-5; Orlow I et al. J Invest Dermatol. 2007 May;127(5):1234-43; Pedace L et al. Cancer Epidemiol. 2011 Dec;35(6):e116-20; Ambry internal data). This amino acid position is highly conserved in available vertebrate species. This alteration disrupts the ankyrin domain near its interface with kinases (Russo AA. et al. Nature.1998 Sep;395(6699):237-43; Ambry internal data). This variant is considered to be rare based on population cohorts in the Genome Aggregation Database (gnomAD). In addition, this alteration is predicted to be deleterious by in silico analysis. Based on the supporting evidence, this alteration is interpreted as a disease-causing mutation.

Literature cited by the submitters: PubMed 16234564 (cited by Labcorp Genetics (formerly Invitae), Labcorp and Myriad Genetics, Inc.); PubMed 16896043 (cited by Labcorp Genetics (formerly Invitae), Labcorp); PubMed 17218939 (cited by Labcorp Genetics (formerly Invitae), Labcorp and Myriad Genetics, Inc.); PubMed 21462282 (cited by Labcorp Genetics (formerly Invitae), Labcorp); PubMed 21893440 (cited by Labcorp Genetics (formerly Invitae), Labcorp and Myriad Genetics, Inc.); PubMed 28146043 (cited by Labcorp Genetics (formerly Invitae), Labcorp).

NM_000077.5(CDKN2A):c.249C>G (p.His83Gln)

Gene: CDKN2A (cyclin dependent kinase inhibitor 2A; minus strand). Cytogenetic location: 9p21.3.
Variant type: single nucleotide variant.
Coding change: c.249C>G on transcript NM_000077.5; coding-DNA position 249, C replaced by G.
Protein change: p.His83Gln; replaces histidine 83 with glutamine.
Molecular consequence: missense variant (on NM_000077.6). On other transcripts: 3 prime UTR variant (1).
Genome position (GRCh38, 1-based): chr9:21,971,110, G>C on the plus strand (C>G on the coding strand, the complement: CDKN2A is on the minus strand). VCF-style: chr9-21971110-G-C. GRCh37 (hg19) VCF-style: chr9-21971109-G-C.
Other names: c.249C>G, p.His83Gln (NM_000077.6, NM_001195132.2); c.96C>G, p.His32Gln (NM_001363763.2); c.292C>G, p.Arg98Gly (NM_058195.4); c.*172C>G (NM_058197.5); short protein forms H83Q, R98G, H32Q.
Identifiers: ClinVar variation 376381 (VCV000376381.6), dbSNP rs34968276, ClinGen allele CA16602820.
Genomic context (GRCh38, chr9:21,971,110, plus strand): 5'-CCGCGCCCCGGCCCGGTGCAGCACCACCAGCGTGTCCAGGAAGCCCTCCCGGGCAGCGTC[G>C]TGCACGGGTCGGGTGAGAGTGGCGGGGTCGGCGCAGTTGGGCTCCGCGCCGTGGAGCAGC-3'
Protein context (NP_000068.1, residues 73-93): ADPATLTRPV[His83Gln]DAAREGFLDT